The following is an entry in ClinVar:

NM_002439.5(MSH3):c.1568A>T (p.Glu523Val)

Gene: MSH3 (mutS homolog 3; plus strand). Cytogenetic location: 5q14.1.
Variant type: single nucleotide variant.
Coding change: c.1568A>T on transcript NM_002439.5 (MANE Select); coding-DNA position 1568, A replaced by T.
Protein change: p.Glu523Val; replaces glutamic acid 523 with valine.
Molecular consequence: missense variant.
Genome position (GRCh38, 1-based): chr5:80,728,965, A>T. VCF-style: chr5-80728965-A-T. GRCh37 (hg19) VCF-style: chr5-80024784-A-T.
Other names: short protein forms E523V.
Identifiers: ClinVar variation 4829418 (VCV004829418.1).
Genomic context (GRCh38, chr5:80,728,965, plus strand): 5'-TGGCTGCCATCATAAAATACCTCAAAGAATTCAACTTGGAAAAGATGCTCTCCAAACCTG[A>T]GTAAGTGATTCCTCCAAAATTAAAAAAAGGGGGAGCTTATATTATGAACATTTCTTAAAT-3'
Protein context (NP_002430.3, residues 513-533): FNLEKMLSKP[Glu523Val]NFKQLSSKME

ClinVar aggregate classification (germline): Uncertain significance (1 of 4 stars; one submission).

Conditions:
Hereditary cancer-predisposing syndrome. Also called: Neoplastic Syndromes, Hereditary; Tumor predisposition; Hereditary Cancer Syndrome; Hereditary neoplastic syndrome. Identifiers: Orphanet 140162, MedGen C0027672, MeSH D009386, MONDO:0015356.

gnomAD v4.1: 1 of 1,524,984 alleles (0.000066%); highest among the groups gnomAD compares: Middle Eastern, 0.017%; no homozygotes.

Submission:

Ambry Genetics
Classification: Uncertain significance for Hereditary cancer-predisposing syndrome. Last evaluated: 2026-03-04. Review status: criteria provided, single submitter. Criteria: Ambry Variant Classification Scheme 2023. Collection method: clinical testing. Allele origin: germline.
Comment: The p.E523V variant (also known as c.1568A>T), located in coding exon 10 of the MSH3 gene, results from an A to T substitution at nucleotide position 1568. The amino acid change results in glutamic acid to valine at codon 523, an amino acid with dissimilar properties. This change occurs in the last base pair of coding exon 10. This amino acid position is poorly conserved in available vertebrate species. In addition, the in silico prediction for this alteration is inconclusive. Based on the available evidence, the clinical significance of this variant remains unclear.